The following is an entry in ClinVar:

ClinVar aggregate classification (germline): Likely benign (1 of 4 stars; one submission).

Allele frequency attached by ClinVar (database versions not stated): gnomAD exomes below 0.00001.
gnomAD v4.1: 6 of 1,560,680 alleles (0.00038%); highest among the groups gnomAD compares: Non-Finnish European, 0.00053%; no homozygotes.

Submission:

GeneDx
Classification: Likely benign. Last evaluated: 2016-07-20. Review status: criteria provided, single submitter. Criteria: GeneDx Variant Classification (06012015). Collection method: clinical testing. Allele origin: germline. Affected: yes.
Comment: This variant is considered likely benign or benign based on one or more of the following criteria: it is a conservative change, it occurs at a poorly conserved position in the protein, it is predicted to be benign by multiple in silico algorithms, and/or has population frequency not consistent with disease.

NM_001040142.2(SCN2A):c.4309-10T>C

Gene: SCN2A (sodium voltage-gated channel alpha subunit 2; plus strand). Cytogenetic location: 2q24.3.
Variant type: single nucleotide variant.
Coding change: c.4309-10T>C on transcript NM_001040142.2 (MANE Select); 10 bases into the intron before coding-DNA position 4309, T replaced by C.
Molecular consequence: intron variant.
Genome position (GRCh38, 1-based): chr2:165,380,582, T>C. VCF-style: chr2-165380582-T-C. GRCh37 (hg19) VCF-style: chr2-166237092-T-C.
Other names: c.4309-10T>C (NM_001040143.2, NM_001371246.1, NM_001371247.1 and 1 more transcripts).
Identifiers: ClinVar variation 387882 (VCV000387882.1), dbSNP rs1057522929, ClinGen allele CA16604024.